The following is an entry in ClinVar:

NM_001267550.2(TTN):c.84871C>T (p.Arg28291Cys)

Genes: TTN (titin; minus strand), TTN-AS1 (TTN antisense RNA 1; plus strand). Cytogenetic location: 2q31.2.
Variant type: single nucleotide variant.
Coding change: c.84871C>T on transcript NM_001267550.2 (MANE Select); coding-DNA position 84871, C replaced by T.
Protein change: p.Arg28291Cys; replaces arginine 28291 with cysteine.
Molecular consequence: missense variant.
Genome position (GRCh38, 1-based): chr2:178,561,261, G>A on the plus strand (C>T on the coding strand, the complement: TTN is on the minus strand). VCF-style: chr2-178561261-G-A. GRCh37 (hg19) VCF-style: chr2-179425988-G-A.
Other names: p.R26650C:CGC>TGC; p.Arg26650Cys; c.79948C>T, p.Arg26650Cys (NM_001256850.1); c.57676C>T, p.Arg19226Cys (NM_003319.4); c.77167C>T, p.Arg25723Cys (NM_133378.4); c.58051C>T, p.Arg19351Cys (NM_133432.3); c.58252C>T, p.Arg19418Cys (NM_133437.4); short protein forms R25723C, R28291C, R26650C, R19226C, R19351C, R19418C.
Identifiers: ClinVar variation 191870 (VCV000191870.74), dbSNP rs192152102, ClinGen allele CA302426.

ClinVar aggregate classification (germline): Conflicting classifications of pathogenicity. Review status: criteria provided, conflicting classifications (1 of 4 stars). 18 submissions from 14 submitters: Uncertain significance (6); Benign (5); Likely benign (6). 1 of the submissions does not count toward it. Last evaluated 2026-05-26.

Conditions:
TTN-related disorder. Also called: TTN-related condition; TTN-related disease; TTN-related disorders.
Cardiovascular phenotype. Identifiers: MedGen CN230736.
Dilated cardiomyopathy 1G (CMD1G). Identifiers: Orphanet 154, MedGen C1858763, MONDO:0011400, OMIM 604145.
Autosomal recessive limb-girdle muscular dystrophy type 2J (LGMDR10). Also called: Limb-girdle muscular dystrophy, type 2J; MUSCULAR DYSTROPHY, LIMB-GIRDLE, AUTOSOMAL RECESSIVE 10. Identifiers: Orphanet 140922, MedGen C1837342, MONDO:0012127, OMIM 608807.
Cardiomyopathy (CMYO). Also called: Cardiomyopathies. Identifiers: Orphanet 167848, MedGen C0878544, MONDO:0004994, HP:0001638. Inheritance: Various modes of inheritance.
Myopathy, myofibrillar, 9, with early respiratory failure (MFM9). Also called: EDSTROM MYOPATHY; MYOPATHY, PROXIMAL, WITH EARLY RESPIRATORY MUSCLE INVOLVEMENT; Hereditary myopathy with early respiratory failure; Myopathy, distal, with early respiratory failure, autosomal dominant. Identifiers: Orphanet 178464, Orphanet 34521, MedGen C1863599, MONDO:0011362, OMIM 603689.
Early-onset myopathy with fatal cardiomyopathy (CMYO5). Also called: CONGENITAL MYOPATHY 5 WITH CARDIOMYOPATHY; Salih Myopathy. Identifiers: Orphanet 289377, MedGen C2673677, MONDO:0012714, OMIM 611705. Disease mechanism: loss of function.
Tibial muscular dystrophy (TMD). Also called: Udd Distal Myopathy – Tibial Muscular Dystrophy; Tibial muscular dystrophy, tardive; UDD MYOPATHY. Identifiers: Orphanet 609, MedGen C1838244, MONDO:0010870, OMIM 600334.

Allele frequency attached by ClinVar (database versions not stated): TOPMed 0.00022; 1000 Genomes Project 0.00040; gnomAD 0.00044; ESP Exome Variant Server 0.00049; 1000 Genomes Project 30x 0.00062; gnomAD exomes 0.00069; ExAC 0.00103.
gnomAD v4.1: 944 of 1,613,660 alleles (0.059%); highest among the groups gnomAD compares: Non-Finnish European, 0.062%; no homozygotes.

Submissions (18):

Women's Health and Genetics/Laboratory Corporation of America, LabCorp
Classification: Likely benign. Last evaluated: 2026-05-26. Review status: criteria provided, single submitter. Criteria: LabCorp Variant Classification Summary - May 2015. Collection method: clinical testing. Allele origin: germline.
Comment: Variant summary: TTN c.77167C>T (p.Arg25723Cys) results in a non-conservative amino acid change in the encoded protein sequence. Algorithms developed to predict the effect of missense changes on protein structure and function are either unavailable or do not agree on the potential impact of this missense change. The variant allele was found at a frequency of 0.00069 in 248622 control chromosomes. The observed variant frequency exceeds the estimated maximal expected allele frequency for disease-causing variants in TTN, providing supporting evidence for a benign role. c.77167C>T has been observed in individual(s) affected with TTN-related conditions without strong evidence for causality (e.g. Franaszczyk_2017, Lopes_2013). These report(s) do not provide unequivocal conclusions about association of the variant with disease. To our knowledge, no experimental evidence demonstrating an impact on protein function has been reported. The following publications have been ascertained in the context of this evaluation (PMID: 23396983, 28045975). ClinVar contains an entry for this variant (Variation ID: 191870). Based on the evidence outlined above, the variant was classified as likely benign.

Labcorp Genetics (formerly Invitae), Labcorp
Classification: Likely benign for Dilated cardiomyopathy 1G; Autosomal recessive limb-girdle muscular dystrophy type 2J. Last evaluated: 2026-02-02. Review status: criteria provided, single submitter. Criteria: Invitae Variant Classification Sherloc (09022015). Collection method: clinical testing. Allele origin: germline.

Mayo Clinic Laboratories, Mayo Clinic
Classification: Likely benign. Last evaluated: 2025-04-29. Review status: criteria provided, single submitter. Criteria: ACMG Guidelines, 2015. Collection method: clinical testing. Allele origin: germline. Observed: 3 variant alleles.
Comment: BS1, BP1

Blueprint Genetics
Classification: Likely benign. Last evaluated: 2024-11-13. Review status: criteria provided, single submitter. Criteria: ACMG Guidelines, 2015. Collection method: clinical testing. Allele origin: germline.

GeneDx
Classification: Likely benign. Last evaluated: 2020-10-29. Review status: criteria provided, single submitter. Criteria: GeneDx Variant Classification Process June 2021. Collection method: clinical testing. Allele origin: germline. Affected: yes.
Comment: This variant is associated with the following publications: (PMID: 23396983, 23861362)

Ambry Genetics
Classification: Likely benign for Cardiovascular phenotype. Last evaluated: 2020-03-20. Review status: criteria provided, single submitter. Criteria: Ambry Variant Classification Scheme 2023. Collection method: clinical testing. Allele origin: germline.

Athena Diagnostics
Classification: Benign. Last evaluated: 2019-10-30. Review status: criteria provided, single submitter. Criteria: Athena Diagnostics Criteria. Collection method: clinical testing. Allele origin: unknown.

Laboratory for Molecular Medicine, Mass General Brigham Personalized Medicine
Classification: Benign. Last evaluated: 2018-10-10. Review status: criteria provided, single submitter. Criteria: LMM Criteria. Collection method: clinical testing. Allele origin: germline. Observed: 1 variant allele.
Comment: The p.Arg25723Cys variant in TTN is classified as benign because it has been ide ntified in 0.2% (55/25756) of Finnish chromosomes by gnomAD. ACMG/AMP Criteria applied: BA1.

CHEO Genetics Diagnostic Laboratory, Children's Hospital of Eastern Ontario
Classification: Benign for Cardiomyopathy. Last evaluated: 2018-10-04. Review status: criteria provided, single submitter. Criteria: ACMG Guidelines, 2015. Collection method: clinical testing. Allele origin: germline.

Eurofins Ntd Llc (ga)
Classification: Uncertain significance. Last evaluated: 2018-02-08. Review status: criteria provided, single submitter. Criteria: EGL Classification Definitions 2015. Collection method: clinical testing. Allele origin: germline. Observed: 8 variant alleles, 8 heterozygotes.

Illumina Laboratory Services, Illumina
Classification: Uncertain significance for Dilated cardiomyopathy 1G. Last evaluated: 2018-01-13. Review status: criteria provided, single submitter. Criteria: ICSL Variant Classification Criteria 13 December 2019. Collection method: clinical testing. Allele origin: germline.

Illumina Laboratory Services, Illumina
Classification: Benign for Myopathy, myofibrillar, 9, with early respiratory failure. Last evaluated: 2018-01-13. Review status: criteria provided, single submitter. Criteria: ICSL Variant Classification Criteria 13 December 2019. Collection method: clinical testing. Allele origin: germline.
Comment: This variant was observed in the ICSL laboratory as part of a predisposition screen in an ostensibly healthy population. It had not been previously curated by ICSL or reported in the Human Gene Mutation Database (HGMD: prior to June 1st, 2018), and was therefore a candidate for classification through an automated scoring system. Utilizing variant allele frequency, disease prevalence and penetrance estimates, and inheritance mode, an automated score was calculated to assess if this variant is too frequent to cause the disease. Based on the score and internal cut-off values, a variant classified as benign is not then subjected to further curation. The score for this variant resulted in a classification of benign for this disease.

Illumina Laboratory Services, Illumina
Classification: Uncertain significance for Early-onset myopathy with fatal cardiomyopathy. Last evaluated: 2018-01-13. Review status: criteria provided, single submitter. Criteria: ICSL Variant Classification Criteria 13 December 2019. Collection method: clinical testing. Allele origin: germline.

Illumina Laboratory Services, Illumina
Classification: Uncertain significance for Autosomal recessive limb-girdle muscular dystrophy type 2J. Last evaluated: 2018-01-13. Review status: criteria provided, single submitter. Criteria: ICSL Variant Classification Criteria 13 December 2019. Collection method: clinical testing. Allele origin: germline.

Illumina Laboratory Services, Illumina
Classification: Benign for Tibial muscular dystrophy. Last evaluated: 2018-01-13. Review status: criteria provided, single submitter. Criteria: ICSL Variant Classification Criteria 13 December 2019. Collection method: clinical testing. Allele origin: germline.
Comment: the same text as in the submission from Illumina Laboratory Services, Illumina above.

CeGaT Center for Human Genetics Tuebingen
Classification: Uncertain significance. Last evaluated: 2016-11-01. Review status: criteria provided, single submitter. Criteria: CeGaT Center For Human Genetics Tuebingen Variant Classification Criteria Version 2. Collection method: clinical testing. Allele origin: germline. Affected: yes. Observed: 1 variant allele.

Biesecker Lab/Clinical Genomics Section, National Institutes of Health
Classification: Uncertain significance. Last evaluated: 2013-06-24. Review status: criteria provided, single submitter. Criteria: Ng et al. (Circ Cardiovasc Genet. 2013). Collection method: research. Allele origin: unknown. Observed: 1 variant allele. Study: ClinSeq.
Comment: The study set was not selected for affection status in relation to any cancer. Pathogenicity categories were based on literature curation. See Pubmed ID:23861362 for details.

Medical sequencing

PreventionGenetics, part of Exact Sciences
Classification: Likely benign for TTN-related condition. Last evaluated: 2021-01-11. Review status: no assertion criteria provided. Collection method: clinical testing. Allele origin: germline. Not counted in ClinVar's aggregate classification.
Comment: This variant is classified as likely benign based on ACMG/AMP sequence variant interpretation guidelines (Richards et al. 2015 PMID: 25741868, with internal and published modifications).

Literature cited by the submitters: PubMed 23396983 (cited by Women's Health and Genetics/Laboratory Corporation of America, LabCorp); PubMed 28045975 (cited by Women's Health and Genetics/Laboratory Corporation of America, LabCorp).